The following is an entry in ClinVar:

NM_025137.4(SPG11):c.89T>G (p.Leu30Trp)

Gene: SPG11 (SPG11 vesicle trafficking associated, spatacsin; minus strand). Cytogenetic location: 15q21.1.
Variant type: single nucleotide variant.
Coding change: c.89T>G on transcript NM_025137.4 (MANE Select); coding-DNA position 89, T replaced by G.
Protein change: p.Leu30Trp; replaces leucine 30 with tryptophan.
Molecular consequence: missense variant.
Genome position (GRCh38, 1-based): chr15:44,663,559, A>C on the plus strand (T>G on the coding strand, the complement: SPG11 is on the minus strand). VCF-style: chr15-44663559-A-C. GRCh37 (hg19) VCF-style: chr15-44955757-A-C.
Other names: c.89T>G, p.Leu30Trp (NM_001160227.2); short protein forms L30W.
Identifiers: ClinVar variation 947698 (VCV000947698.5), dbSNP rs750684185, ClinGen allele CA7535948.

ClinVar aggregate classification (germline): Uncertain significance (1 of 4 stars; one submission).

Conditions:
Hereditary spastic paraplegia 11. Also called: Spastic Paraplegia 11; Nakamura Osame syndrome; Autosomal recessive hereditary spastic paraplegia, mental impairment, and thin corpus callosum; Spastic paraplegia, mental retardation and thin corpus callosum; SPASTIC PARAPLEGIA, AUTOSOMAL RECESSIVE, COMPLICATED, WITH THIN CORPUS CALLOSUM; SPASTIC PARAPLEGIA, AUTOSOMAL RECESSIVE, WITH MENTAL IMPAIRMENT AND THIN CORPUS CALLOSUM. Identifiers: Orphanet 2822, MedGen C1858479, MONDO:0011445, OMIM 604360.

Allele frequency attached by ClinVar (database versions not stated): TOPMed below 0.00001; ExAC 0.00002; gnomAD 0.00003; gnomAD exomes 0.00005 and 0.00008.
gnomAD v4.1: 33 of 1,597,598 alleles (0.0021%); no homozygotes.

Submission:

Labcorp Genetics (formerly Invitae), Labcorp
Classification: Uncertain significance for Hereditary spastic paraplegia 11. Last evaluated: 2021-11-01. Review status: criteria provided, single submitter. Criteria: Invitae Variant Classification Sherloc (09022015). Collection method: clinical testing. Allele origin: germline.
Comment: This sequence change replaces leucine, which is neutral and non-polar, with tryptophan, which is neutral and slightly polar, at codon 30 of the SPG11 protein (p.Leu30Trp). This variant is present in population databases (rs750684185, gnomAD 0.09%). This variant has not been reported in the literature in individuals affected with SPG11-related conditions. ClinVar contains an entry for this variant (Variation ID: 947698). Algorithms developed to predict the effect of missense changes on protein structure and function are either unavailable or do not agree on the potential impact of this missense change (SIFT: "Deleterious"; PolyPhen-2: "Probably Damaging"; Align-GVGD: "Class C0"). In summary, the available evidence is currently insufficient to determine the role of this variant in disease. Therefore, it has been classified as a Variant of Uncertain Significance.